The following is an entry in ClinVar:

ClinVar aggregate classification (germline): Uncertain significance. Review status: criteria provided, multiple submitters, no conflicts (2 of 4 stars). 8 submissions from 8 submitters: Uncertain significance (8). Last evaluated 2024-08-19.

Conditions:
Fanconi anemia (FA). Also called: Fanconi's anemia. Identifiers: Orphanet 84, MedGen C0015625, MeSH D005199, MONDO:0019391.
Fanconi anemia complementation group L (FANCL). Also called: FANCL-Related Fanconi Anemia. Identifiers: Orphanet 84, MedGen C3469528, MONDO:0013566, OMIM 614083.

Allele frequency attached by ClinVar (database versions not stated): gnomAD 0.00008 and 0.00011; TOPMed 0.00011; gnomAD exomes 0.00015 and 0.00019; ExAC 0.00016; 1000 Genomes Project 0.00020; 1000 Genomes Project 30x 0.00031.
gnomAD v4.1: 241 of 1,612,942 alleles (0.015%); highest among the groups gnomAD compares: Middle Eastern, 0.17%; 2 homozygotes.

Submissions (8):

Blueprint Genetics
Classification: Uncertain significance. Last evaluated: 2024-08-19. Review status: criteria provided, single submitter. Criteria: ACMG Guidelines, 2015. Collection method: clinical testing. Allele origin: germline.

Labcorp Genetics (formerly Invitae), Labcorp
Classification: Uncertain significance for Fanconi anemia. Last evaluated: 2022-10-26. Review status: criteria provided, single submitter. Criteria: Invitae Variant Classification Sherloc (09022015). Collection method: clinical testing. Allele origin: germline.
Comment: This sequence change replaces leucine, which is neutral and non-polar, with valine, which is neutral and non-polar, at codon 80 of the FANCL protein (p.Leu80Val). This variant is present in population databases (rs563513081, gnomAD 0.08%). This variant has not been reported in the literature in individuals affected with FANCL-related conditions. ClinVar contains an entry for this variant (Variation ID: 408230). Advanced modeling of protein sequence and biophysical properties (such as structural, functional, and spatial information, amino acid conservation, physicochemical variation, residue mobility, and thermodynamic stability) performed at Invitae indicates that this missense variant is not expected to disrupt FANCL protein function. In summary, the available evidence is currently insufficient to determine the role of this variant in disease. Therefore, it has been classified as a Variant of Uncertain Significance.

Fulgent Genetics
Classification: Uncertain significance for Fanconi anemia complementation group L. Last evaluated: 2022-04-15. Review status: criteria provided, single submitter. Criteria: ACMG Guidelines, 2015. Collection method: clinical testing. Allele origin: unknown.

Sema4
Classification: Uncertain significance for Fanconi anemia. Last evaluated: 2022-02-15. Review status: criteria provided, single submitter. Criteria: Sema4 Curation Guidelines. Collection method: curation. Allele origin: germline.
Comment: To the best of our knowledge, the FANCL c.238C>G (p.L80V) variant has not been reported in individuals with FANCL-related disease. It was observed in 25/30544 chromosomes of the South Asian subpopulation, with no homozygotes, in the large and broad cohorts of the Genome Aggregation Database. The variant has been reported in ClinVar (Variation ID 408230). Functional studies have not been performed, and in silico predictions of the variant's effect on protein function are inconclusive. The evidence is insufficient to meet ACMG/AMP criteria for classifying the variant as benign or pathogenic. Thus, the clinical significance of this variant is currently uncertain.

Laboratorio de Genetica e Diagnostico Molecular, Hospital Israelita Albert Einstein
Classification: Uncertain significance. Last evaluated: 2021-10-18. Review status: criteria provided, single submitter. Criteria: ACMG Guidelines, 2015. Collection method: clinical testing. Allele origin: germline. Affected: yes.
Comment: ACMG classification criteria: PM2, BP4

Baylor Genetics
Classification: Uncertain significance for Fanconi anemia complementation group L. Last evaluated: 2021-07-27. Review status: criteria provided, single submitter. Criteria: ACMG Guidelines, 2015. Collection method: clinical testing. Allele origin: unknown. Affected: yes. Study: CSER-TexasKidsCanSeq.
Comment: This variant was determined to be of uncertain significance according to ACMG Guidelines, 2015 [PMID:25741868].

Genetic Services Laboratory, University of Chicago
Classification: Uncertain significance. Last evaluated: 2019-12-11. Review status: criteria provided, single submitter. Criteria: ACMG Guidelines, 2015. Collection method: clinical testing. Allele origin: germline. Affected: no.

Illumina Laboratory Services, Illumina
Classification: Uncertain significance for Fanconi anemia complementation group L. Last evaluated: 2018-03-30. Review status: criteria provided, single submitter. Criteria: ICSL Variant Classification Criteria 13 December 2019. Collection method: clinical testing. Allele origin: germline.

NM_018062.4(FANCL):c.238C>G (p.Leu80Val)

Gene: FANCL (FA complementation group L; minus strand). Cytogenetic location: 2p16.1.
Variant type: single nucleotide variant.
Coding change: c.238C>G on transcript NM_018062.4 (MANE Select); coding-DNA position 238, C replaced by G.
Protein change: p.Leu80Val; replaces leucine 80 with valine.
Molecular consequence: missense variant.
Genome position (GRCh38, 1-based): chr2:58,226,763, G>C on the plus strand (C>G on the coding strand, the complement: FANCL is on the minus strand). VCF-style: chr2-58226763-G-C. GRCh37 (hg19) VCF-style: chr2-58453898-G-C.
Other names: c.238C>G, p.Leu80Val (NM_001114636.2, NM_001374615.1, NM_001410792.1); short protein forms L80V.
Identifiers: ClinVar variation 408230 (VCV000408230.16), dbSNP rs563513081, ClinGen allele CA1670731.